The following is an entry in ClinVar:

ClinVar aggregate classification (germline): Uncertain significance (1 of 4 stars; one submission).

Conditions:
Deficiency of aromatic-L-amino-acid decarboxylase. Also called: Aromatic amino acid decarboxylase deficiency; AADC DEFICIENCY; Aromatic L-Amino Acid Decarboxylase Deficiency; DDC DEFICIENCY; DOPA DECARBOXYLASE DEFICIENCY. Identifiers: Orphanet 35708, MedGen C1291564, MONDO:0012084, OMIM 608643.

Allele frequency attached by ClinVar (database versions not stated): gnomAD exomes below 0.00001.
gnomAD v4.1: 1 of 1,614,164 alleles (0.000062%); highest among the groups gnomAD compares: Non-Finnish European, 0.000085%; no homozygotes.

Submission:

Labcorp Genetics (formerly Invitae), Labcorp
Classification: Uncertain significance for Deficiency of aromatic-L-amino-acid decarboxylase. Last evaluated: 2022-06-08. Review status: criteria provided, single submitter. Criteria: Invitae Variant Classification Sherloc (09022015). Collection method: clinical testing. Allele origin: germline.
Comment: This sequence change replaces lysine, which is basic and polar, with threonine, which is neutral and polar, at codon 162 of the DDC protein (p.Lys162Thr). This variant is not present in population databases (gnomAD no frequency). In summary, the available evidence is currently insufficient to determine the role of this variant in disease. Therefore, it has been classified as a Variant of Uncertain Significance. Algorithms developed to predict the effect of missense changes on protein structure and function (SIFT, PolyPhen-2, Align-GVGD) all suggest that this variant is likely to be disruptive. This variant has not been reported in the literature in individuals affected with DDC-related conditions.

NM_001082971.2(DDC):c.485A>C (p.Lys162Thr)

Gene: DDC (dopa decarboxylase; minus strand). Cytogenetic location: 7p12.1.
Variant type: single nucleotide variant.
Coding change: c.485A>C on transcript NM_001082971.2 (MANE Select); coding-DNA position 485, A replaced by C.
Protein change: p.Lys162Thr; replaces lysine 162 with threonine.
Molecular consequence: missense variant. On other transcripts: intron variant (1).
Genome position (GRCh38, 1-based): chr7:50,529,293, T>G on the plus strand (A>C on the coding strand, the complement: DDC is on the minus strand). VCF-style: chr7-50529293-T-G. GRCh37 (hg19) VCF-style: chr7-50596991-T-G.
Other names: c.485A>C, p.Lys162Thr (NM_000790.4, NM_001242887.2, NM_001242890.2); c.371A>C, p.Lys124Thr (NM_001242886.2); c.251A>C, p.Lys84Thr (NM_001242888.2); c.435+8567A>C (NM_001242889.2); short protein forms K124T, K84T, K162T.
Identifiers: ClinVar variation 1999901 (VCV001999901.4), dbSNP rs760930947, ClinGen allele CA367526775.